The following is an entry in ClinVar:

ClinVar aggregate classification (germline): Uncertain significance. Review status: criteria provided, multiple submitters, no conflicts (2 of 4 stars). 2 submissions from 2 submitters: Uncertain significance (2). Last evaluated 2021-11-19.

Allele frequency attached by ClinVar (database versions not stated): gnomAD exomes below 0.00001; ExAC 0.00001.

Submissions (2):

Blueprint Genetics
Classification: Uncertain significance. Last evaluated: 2021-11-19. Review status: criteria provided, single submitter. Criteria: ACMG Guidelines, 2015. Collection method: clinical testing. Allele origin: germline.

GeneDx
Classification: Uncertain significance. Last evaluated: 2021-06-30. Review status: criteria provided, single submitter. Criteria: GeneDx Variant Classification Process June 2021. Collection method: clinical testing. Allele origin: germline. Affected: yes.
Comment: Not observed at a significant frequency in large population cohorts (Lek et al., 2016); In silico analysis supports a deleterious effect on splicing; Has not been previously published as pathogenic or benign to our knowledge

NM_032119.4(ADGRV1):c.9042+5G>A

Gene: ADGRV1 (adhesion G protein-coupled receptor V1; plus strand). Cytogenetic location: 5q14.3.
Variant type: single nucleotide variant.
Coding change: c.9042+5G>A on transcript NM_032119.4 (MANE Select); 5 bases into the intron after coding-DNA position 9042, G replaced by A.
Molecular consequence: intron variant.
Genome position (GRCh38, 1-based): chr5:90,711,327, G>A. VCF-style: chr5-90711327-G-A. GRCh37 (hg19) VCF-style: chr5-90007144-G-A.
Identifiers: ClinVar variation 1212296 (VCV001212296.4), dbSNP rs757123914, ClinGen allele CA3340423.
Genomic context (GRCh38, chr5:90,711,327, plus strand): 5'-TGTATGCTCAGAATTTGGAAGCACAAGTGGGGCTGGATTATATCTTCACCCCAATGGTGG[G>A]TCTCAAAATCTATCACAGATGACTTTTACAAATTATTTTATAATCATTATTCCTTGAGAA-3'